The following is an entry in ClinVar:

NM_003482.4(KMT2D):c.10956C>T (p.Ala3652=)

Gene: KMT2D (lysine methyltransferase 2D; minus strand). Cytogenetic location: 12q13.12.
Variant type: single nucleotide variant.
Coding change: c.10956C>T on transcript NM_003482.4 (MANE Select); coding-DNA position 10956, C replaced by T.
Protein change: p.Ala3652=; no amino-acid change (alanine 3652 retained).
Molecular consequence: synonymous variant.
Genome position (GRCh38, 1-based): chr12:49,033,749, G>A on the plus strand (C>T on the coding strand, the complement: KMT2D is on the minus strand). VCF-style: chr12-49033749-G-A. GRCh37 (hg19) VCF-style: chr12-49427532-G-A.
Identifiers: ClinVar variation 2077980 (VCV002077980.5), dbSNP rs541649513, ClinGen allele CA6546394.
Genomic context (GRCh38, chr12:49,033,749, plus strand): 5'-GAAGGGGCCACCAGGCTGTCCAGGTAGTGCCATACCCCCAGGGGTCAGGCGAAGACCTCC[G>A]GCTTGCCCACCCGGAGGCCCCTGTGGTGGCTGCAGCCCATGGCCAGGGAGCAGCTGACCA-3'
Protein context (NP_003473.3, residues 3642-3662): QPPQGPPGGQ[Ala3652=]GGLRLTPGGM

ClinVar aggregate classification (germline): Likely benign. Review status: criteria provided, multiple submitters, no conflicts (2 of 4 stars). 2 submissions from 2 submitters: Likely benign (2). Last evaluated 2025-04-11.

Conditions:
Kabuki syndrome. Also called: Kabuki make-up syndrome; NIIKAWA-KUROKI SYNDROME. Identifiers: Orphanet 2322, MedGen C0796004, MONDO:0016512.
KMT2D-related disorder. Also called: KMT2D-Related Disorders.

Allele frequency attached by ClinVar (database versions not stated): TOPMed 0.00003; gnomAD 0.00007; 1000 Genomes Project 30x 0.00016; 1000 Genomes Project 0.00020.

Submissions (2):

Labcorp Genetics (formerly Invitae), Labcorp
Classification: Likely benign for Kabuki syndrome. Last evaluated: 2025-04-11. Review status: criteria provided, single submitter. Criteria: Invitae Variant Classification Sherloc (09022015). Collection method: clinical testing. Allele origin: germline.

PreventionGenetics, part of Exact Sciences
Classification: Likely benign for KMT2D-related condition. Last evaluated: 2024-11-20. Review status: criteria provided, single submitter. Criteria: ACMG Guidelines, 2015. Collection method: clinical testing. Allele origin: germline.
Comment: This variant is classified as likely benign based on ACMG/AMP sequence variant interpretation guidelines (Richards et al. 2015 PMID: 25741868, with internal and published modifications).